The following is an entry in ClinVar:

ClinVar aggregate classification (germline): Uncertain significance. Review status: criteria provided, multiple submitters, no conflicts (2 of 4 stars). 4 submissions from 4 submitters: Uncertain significance (4). Last evaluated 2026-06-25.

Conditions:
Familial cancer of breast. Also called: Hereditary breast cancer; hereditary breast carcinoma; BREAST CANCER, FAMILIAL. Identifiers: Orphanet 227535, MedGen C0346153, MONDO:0016419, OMIM 114480. Disease mechanism: loss of function.
Fanconi anemia complementation group J. Also called: BRIP1-Related Fanconi Anemia. Identifiers: Orphanet 84, MedGen C1836860, MONDO:0012187, OMIM 609054.
Hereditary cancer-predisposing syndrome. Also called: Tumor predisposition; Hereditary neoplastic syndrome; Neoplastic Syndromes, Hereditary; Hereditary Cancer Syndrome. Identifiers: Orphanet 140162, MedGen C0027672, MeSH D009386, MONDO:0015356.

Allele frequency attached by ClinVar (database versions not stated): gnomAD exomes below 0.00001.
gnomAD v4.1: 1 of 1,614,234 alleles (0.000062%); highest among the groups gnomAD compares: Non-Finnish European, 0.000085%; no homozygotes.

Submissions (4):

Ambry Genetics
Classification: Uncertain significance for Hereditary cancer-predisposing syndrome. Last evaluated: 2026-06-25. Review status: criteria provided, single submitter. Criteria: Ambry Variant Classification Scheme 2023. Collection method: clinical testing. Allele origin: germline.
Comment: The p.H1088R variant (also known as c.3263A>G), located in coding exon 19 of the BRIP1 gene, results from an A to G substitution at nucleotide position 3263. The histidine at codon 1088 is replaced by arginine, an amino acid with highly similar properties. This amino acid position is conserved. In addition, this alteration is predicted to be tolerated by in silico analysis. Based on the available evidence, the clinical significance of this variant remains unclear.

GeneDx
Classification: Uncertain significance. Last evaluated: 2025-05-12. Review status: criteria provided, single submitter. Criteria: GeneDx Variant Classification Process June 2021. Collection method: clinical testing. Allele origin: germline. Affected: yes.
Comment: Not observed at significant frequency in large population cohorts (gnomAD); In silico analysis suggests that this missense variant does not alter protein structure/function; Has not been previously published as pathogenic or benign to our knowledge

Labcorp Genetics (formerly Invitae), Labcorp
Classification: Uncertain significance for Familial cancer of breast; Fanconi anemia complementation group J. Last evaluated: 2023-12-13. Review status: criteria provided, single submitter. Criteria: Invitae Variant Classification Sherloc (09022015). Collection method: clinical testing. Allele origin: germline.
Comment: This sequence change replaces histidine, which is basic and polar, with arginine, which is basic and polar, at codon 1088 of the BRIP1 protein (p.His1088Arg). This variant is not present in population databases (gnomAD no frequency). This variant has not been reported in the literature in individuals affected with BRIP1-related conditions. ClinVar contains an entry for this variant (Variation ID: 844330). An algorithm developed to predict the effect of missense changes on protein structure and function (PolyPhen-2) suggests that this variant is likely to be tolerated. In summary, the available evidence is currently insufficient to determine the role of this variant in disease. Therefore, it has been classified as a Variant of Uncertain Significance.

Color Diagnostics, LLC DBA Color Health
Classification: Uncertain significance for Hereditary cancer-predisposing syndrome. Last evaluated: 2023-12-04. Review status: criteria provided, single submitter. Criteria: ACMG Guidelines, 2015. Collection method: clinical testing. Allele origin: germline.
Comment: This missense variant replaces histidine with arginine at codon 1088 of the BRIP1 protein. Computational prediction suggests that this variant may not impact protein structure and function (internally defined REVEL score threshold <= 0.5, PMID: 27666373). To our knowledge, functional studies have not been reported for this variant. This variant has not been reported in individuals affected with BRIP1-related disorders in the literature. This variant has not been identified in the general population by the Genome Aggregation Database (gnomAD). The available evidence is insufficient to determine the role of this variant in disease conclusively. Therefore, this variant is classified as a Variant of Uncertain Significance.

NM_032043.3(BRIP1):c.3263A>G (p.His1088Arg)

Gene: BRIP1 (BRCA1 interacting DNA helicase 1; minus strand). Cytogenetic location: 17q23.2.
Variant type: single nucleotide variant.
Coding change: c.3263A>G on transcript NM_032043.3 (MANE Select); coding-DNA position 3263, A replaced by G.
Protein change: p.His1088Arg; replaces histidine 1088 with arginine.
Molecular consequence: missense variant.
Genome position (GRCh38, 1-based): chr17:61,683,783, T>C on the plus strand (A>G on the coding strand, the complement: BRIP1 is on the minus strand). VCF-style: chr17-61683783-T-C. GRCh37 (hg19) VCF-style: chr17-59761144-T-C.
Other names: short protein forms H1088R.
Identifiers: ClinVar variation 844330 (VCV000844330.16), dbSNP rs2061314121, ClinGen allele CA400479101.